The following is an entry in ClinVar:

NM_001130987.2(DYSF):c.4802dup (p.Met1601fs)

Gene: DYSF (dysferlin; plus strand). Cytogenetic location: 2p13.2.
Variant type: Duplication.
Coding change: c.4802dup on transcript NM_001130987.2 (MANE Select); coding-DNA position 4802, one base duplicated (T; older notation c.4802dupT).
Protein change: p.Met1601fs; shifts the reading frame from methionine 1601.
Molecular consequence: frameshift variant.
Genome position (GRCh38, 1-based): chr2:71,658,924, T duplicated. VCF-style (leftmost placement, unchanged base first): chr2-71658923-A-AT. GRCh37 (hg19) VCF-style: chr2-71886053-A-AT.
Other names: c.4688dup, p.Met1563fs (NM_001130455.2); c.4643dup, p.Met1548fs (NM_001130976.2); c.4706dup, p.Met1569fs (NM_001130977.2); c.4748dup, p.Met1583fs (NM_001130978.2); c.4778dup, p.Met1593fs (NM_001130979.2); c.4736dup, p.Met1579fs (NM_001130980.2); c.4799dup, p.Met1600fs (NM_001130981.2); c.4781dup, p.Met1594fs (NM_001130982.2); and 6 more; short protein forms M1549fs, M1562fs, M1583fs, M1594fs, M1563fs, M1579fs, M1580fs, M1584fs.
Identifiers: ClinVar variation 286729 (VCV000286729.18), dbSNP rs778065845, ClinGen allele CA1707147.

ClinVar aggregate classification (germline): Pathogenic. Review status: criteria provided, multiple submitters, no conflicts (2 of 4 stars). 5 submissions from 5 submitters: Pathogenic (5). Last evaluated 2025-10-13.

Conditions:
Neuromuscular disease caused by qualitative or quantitative defects of dysferlin. Also called: Dysferlinopathy; Qualitative or quantitative defects of dysferlin. Identifiers: Orphanet 207073, MedGen C2931687, MONDO:0016145.
Autosomal recessive limb-girdle muscular dystrophy type 2B (LGMDR2). Also called: MUSCULAR DYSTROPHY, LIMB-GIRDLE, TYPE 3; Limb-Girdle Muscular Dystrophy Type 2B (LGMD2B); Limb-girdle muscular dystrophy, type 2B; MUSCULAR DYSTROPHY, LIMB-GIRDLE, AUTOSOMAL RECESSIVE 2. Identifiers: Orphanet 268, MedGen C1850889, MONDO:0009676, OMIM 253601.
Miyoshi muscular dystrophy 1 (MMD1). Identifiers: Orphanet 45448, MedGen C4551973, MONDO:0024545, OMIM 254130.

Allele frequency attached by ClinVar (database versions not stated): gnomAD exomes below 0.00001 and 0.00001; ExAC 0.00002; TOPMed 0.00002; gnomAD 0.00003.

Submissions (5):

Women's Health and Genetics/Laboratory Corporation of America, LabCorp
Classification: Pathogenic for Autosomal recessive limb-girdle muscular dystrophy type 2B. Last evaluated: 2025-10-13. Review status: criteria provided, single submitter. Criteria: LabCorp Variant Classification Summary - May 2015. Collection method: clinical testing. Allele origin: germline.
Comment: Variant summary: DYSF c.4685dupT (p.Met1562IlefsX39) results in a premature termination codon, predicted to cause a truncation of the encoded protein or absence of the protein due to nonsense mediated decay, which are commonly known mechanisms for disease. The variant allele was found at a frequency of 1.2e-05 in 251478 control chromosomes. c.4685dupT has been observed in at least one homozygous individual affected with Autosomal recessive limb-girdle muscular dystrophy (e.g. Rosales_2010). These data indicate that the variant may be associated with disease. To our knowledge, no experimental evidence demonstrating an impact on protein function has been reported. The following publication has been ascertained in the context of this evaluation (PMID: 20544924). ClinVar contains an entry for this variant (Variation ID: 286729). Based on the evidence outlined above, the variant was classified as pathogenic.

Labcorp Genetics (formerly Invitae), Labcorp
Classification: Pathogenic for Neuromuscular disease caused by qualitative or quantitative defects of dysferlin. Last evaluated: 2025-08-08. Review status: criteria provided, single submitter. Criteria: Invitae Variant Classification Sherloc (09022015). Collection method: clinical testing. Allele origin: germline.
Comment: This sequence change creates a premature translational stop signal (p.Met1562Ilefs*39) in the DYSF gene. It is expected to result in an absent or disrupted protein product. Loss-of-function variants in DYSF are known to be pathogenic (PMID: 17698709, 20301480). This variant is present in population databases (rs778065845, gnomAD 0.02%). This premature translational stop signal has been observed in individual(s) with dysferlinopathy (PMID: 20544924). ClinVar contains an entry for this variant (Variation ID: 286729). For these reasons, this variant has been classified as Pathogenic.

Natera, Inc.
Classification: Pathogenic for Limb-girdle muscular dystrophy type 2B. Last evaluated: 2025-04-17. Review status: criteria provided, single submitter. Criteria: Natera Variant Classification Schema (03/2026). Collection method: clinical testing. Allele origin: germline.
Comment: The c.4685dupT variant in DYSF is a frameshift variant predicted to shift the reading frame beginning at codon 1562 and leads to a stop codon 39 codons downstream. This variant is expected to result in nonsense mediated decay, truncation, or a dysfunctional protein product. This variant is rare in the general population with a frequency below the threshold expected for the associated phenotype(s). This variant has been observed in one or more individuals affected with the associated recessive disease, as either homozygous or compound heterozygous with a second variant (PMID: 35135626). Given the available evidence, this variant is classified as Pathogenic.

Baylor Genetics
Classification: Pathogenic for Miyoshi muscular dystrophy 1. Last evaluated: 2024-01-18. Review status: criteria provided, single submitter. Criteria: ACMG Guidelines, 2015. Collection method: clinical testing. Allele origin: unknown.

Eurofins Ntd Llc (ga)
Classification: Pathogenic. Last evaluated: 2016-03-16. Review status: criteria provided, single submitter. Criteria: EGL Classification Definitions. Collection method: clinical testing. Allele origin: germline. Observed: 2 variant alleles, 2 heterozygotes.

Literature cited by the submitters: PubMed 20544924 (cited by Women's Health and Genetics/Laboratory Corporation of America, LabCorp and Labcorp Genetics (formerly Invitae), Labcorp); PubMed 17698709 (cited by Labcorp Genetics (formerly Invitae), Labcorp); PubMed 20301480 (cited by Labcorp Genetics (formerly Invitae), Labcorp); PubMed 35135626 (cited by Natera, Inc.).